The following is an entry in ClinVar:

ClinVar aggregate classification (germline): Uncertain significance (1 of 4 stars; one submission).

Conditions:
Hereditary cancer-predisposing syndrome. Also called: Hereditary neoplastic syndrome; Neoplastic Syndromes, Hereditary; Tumor predisposition; Hereditary Cancer Syndrome. Identifiers: Orphanet 140162, MedGen C0027672, MeSH D009386, MONDO:0015356.

gnomAD v4.1: 1 of 1,610,002 alleles (0.000062%); highest among the groups gnomAD compares: Non-Finnish European, 0.000085%; no homozygotes.

Submission:

Ambry Genetics
Classification: Uncertain significance for Hereditary cancer-predisposing syndrome. Last evaluated: 2025-07-18. Review status: criteria provided, single submitter. Criteria: Ambry Variant Classification Scheme 2023. Collection method: clinical testing. Allele origin: germline.
Comment: The c.5679-5T>C intronic variant results from a T to C substitution 5 nucleotides upstream from coding exon 42 in the POLE gene. This nucleotide position is highly conserved in available vertebrate species. In silico splice site analysis predicts that this alteration will not have any significant effect on splicing. Based on the available evidence, the clinical significance of this variant remains unclear.

NM_006231.4(POLE):c.5679-5T>C

Gene: POLE (DNA polymerase epsilon, catalytic subunit; minus strand). Cytogenetic location: 12q24.33.
Variant type: single nucleotide variant.
Coding change: c.5679-5T>C on transcript NM_006231.4 (MANE Select); 5 bases into the intron before coding-DNA position 5679, T replaced by C.
Molecular consequence: intron variant.
Genome position (GRCh38, 1-based): chr12:132,636,029, A>G on the plus strand (T>C on the coding strand, the complement: POLE is on the minus strand). VCF-style: chr12-132636029-A-G. GRCh37 (hg19) VCF-style: chr12-133212615-A-G.
Identifiers: ClinVar variation 4141096 (VCV004141096.1).